The following is an entry in ClinVar:

ClinVar aggregate classification (germline): Likely benign (0 of 4 stars; one submission).

Conditions:
DUOX2-related disorder. Also called: DUOX2-related condition.

Allele frequency attached by ClinVar (database versions not stated): gnomAD exomes below 0.00001.
gnomAD v4.1: 2 of 1,614,250 alleles (0.00012%); highest among the groups gnomAD compares: Non-Finnish European, 0.00017%; no homozygotes.

Submission:

PreventionGenetics, part of Exact Sciences
Classification: Likely benign for DUOX2-related condition. Last evaluated: 2022-11-23. Review status: no assertion criteria provided. Collection method: clinical testing. Allele origin: germline.
Comment: This variant is classified as likely benign based on ACMG/AMP sequence variant interpretation guidelines (Richards et al. 2015 PMID: 25741868, with internal and published modifications).

NM_001363711.2(DUOX2):c.1335G>C (p.Leu445=)

Gene: DUOX2 (dual oxidase 2; minus strand). Cytogenetic location: 15q21.1.
Variant type: single nucleotide variant.
Coding change: c.1335G>C on transcript NM_001363711.2 (MANE Select); coding-DNA position 1335, G replaced by C.
Protein change: p.Leu445=; no amino-acid change (leucine 445 retained).
Molecular consequence: synonymous variant.
Genome position (GRCh38, 1-based): chr15:45,108,852, C>G on the plus strand (G>C on the coding strand, the complement: DUOX2 is on the minus strand). VCF-style: chr15-45108852-C-G. GRCh37 (hg19) VCF-style: chr15-45401050-C-G.
Other names: c.1335G>C, p.Leu445= (NM_014080.5).
Identifiers: ClinVar variation 3054989 (VCV003054989.2), dbSNP rs1894300898, ClinGen allele CA490222941.
Genomic context (GRCh38, chr15:45,108,852, plus strand): 5'-GGGGTCCACATTAGGGTTGAGATCACTCCAGTTCCTTGGGATGTCCAGCCCAAAGGCCAG[C>G]AGGGCCTGGCTATAGCTGGGCAGCCCCATATCTCGGCCACGTTGGATGCTGCTGGCCACA-3'
Protein context (NP_001350640.1, residues 435-455): DMGLPSYSQA[Leu445=]LAFGLDIPRN